The following is an entry in ClinVar:

ClinVar aggregate classification (germline): Uncertain significance. Review status: criteria provided, multiple submitters, no conflicts (2 of 4 stars). 2 submissions from 2 submitters: Uncertain significance (2). Last evaluated 2025-06-29.

Conditions:
Fanconi anemia (FA). Also called: Fanconi's anemia. Identifiers: Orphanet 84, MedGen C0015625, MeSH D005199, MONDO:0019391.

Submissions (2):

Labcorp Genetics (formerly Invitae), Labcorp
Classification: Uncertain significance. Last evaluated: 2025-06-29. Review status: criteria provided, single submitter. Criteria: Invitae Variant Classification Sherloc (09022015). Collection method: clinical testing. Allele origin: germline.
Comment: This sequence change replaces cysteine, which is neutral and slightly polar, with tryptophan, which is neutral and slightly polar, at codon 696 of the RFWD3 protein (p.Cys696Trp). The frequency data for this variant in the population databases is considered unreliable, as metrics indicate poor data quality at this position in the gnomAD database. This variant has not been reported in the literature in individuals affected with RFWD3-related conditions. ClinVar contains an entry for this variant (Variation ID: 3780546). An algorithm developed to predict the effect of missense changes on protein structure and function (PolyPhen-2) suggests that this variant is likely to be disruptive. In summary, the available evidence is currently insufficient to determine the role of this variant in disease. Therefore, it has been classified as a Variant of Uncertain Significance.

Department of Pathology and Laboratory Medicine, Sinai Health System
Classification: Uncertain significance for Fanconi anemia. Last evaluated: 2021-02-22. Review status: criteria provided, single submitter. Criteria: ACMG Guidelines, 2015. Collection method: research. Allele origin: germline.

NM_018124.4(RFWD3):c.2088C>G (p.Cys696Trp)

Gene: RFWD3 (ring finger and WD repeat domain 3; minus strand). Cytogenetic location: 16q23.1.
Variant type: single nucleotide variant.
Coding change: c.2088C>G on transcript NM_018124.4 (MANE Select); coding-DNA position 2088, C replaced by G.
Protein change: p.Cys696Trp; replaces cysteine 696 with tryptophan.
Molecular consequence: missense variant.
Genome position (GRCh38, 1-based): chr16:74,626,436, G>C on the plus strand (C>G on the coding strand, the complement: RFWD3 is on the minus strand). VCF-style: chr16-74626436-G-C. GRCh37 (hg19) VCF-style: chr16-74660334-G-C.
Other names: c.2088C>G, p.Cys696Trp (NM_001370534.1, NM_001370535.1); c.1911C>G, p.Cys637Trp (NM_001370536.1); c.1254C>G, p.Cys418Trp (NM_001370537.1, NM_001370539.1, NM_001370540.1 and 2 more transcripts); short protein forms C418W, C637W, C696W.
Identifiers: ClinVar variation 3780546 (VCV003780546.2).